The following is an entry in ClinVar:

NM_000206.3(IL2RG):c.677G>A (p.Arg226His)

Gene: IL2RG (interleukin 2 receptor subunit gamma; minus strand). Cytogenetic location: Xq13.1.
Variant type: single nucleotide variant.
Coding change: c.677G>A on transcript NM_000206.3 (MANE Select); coding-DNA position 677, G replaced by A.
Protein change: p.Arg226His; replaces arginine 226 with histidine.
Molecular consequence: missense variant.
Genome position (GRCh38, 1-based): chrX:71,109,308, C>T on the plus strand (G>A on the coding strand, the complement: IL2RG is on the minus strand). VCF-style: chrX-71109308-C-T. GRCh37 (hg19) VCF-style: chrX-70329158-C-T.
Other names: NM_000206.3(IL2RG):c.677G>A.
Identifiers: ClinVar variation 225196 (VCV000225196.11), dbSNP rs869320660, ClinGen allele CA358793.
Genomic context (GRCh38, chrX:71,109,308, plus strand): 5'-CAGTGGATTGGGTGGCTCCATTCACTCCAATGCTGAGCACTTCCACAGAGTGGGTTAAAG[C>T]GGCTCCGAACACGAAACGTGTAGCGTTTCTGCCCATCCACACTAGGCAAGGAGAACTTAT-3'
Protein context (NP_000197.1, residues 216-236): QKRYTFRVRS[Arg226His]FNPLCGSAQH

ClinVar aggregate classification (germline): Pathogenic. Review status: reviewed by expert panel (3 of 4 stars). 3 submissions from 3 submitters: Pathogenic (1). 2 of the submissions do not count toward it. Last evaluated 2024-03-08.

Conditions:
X-linked severe combined immunodeficiency (SCIDX1). Also called: IMMUNODEFICIENCY 4; SCID, X-LINKED; SEVERE COMBINED IMMUNODEFICIENCY, X-LINKED, T CELL-NEGATIVE, B CELL-POSITIVE, NK CELL-NEGATIVE; T-B+ severe combined immunodeficiency due to gamma chain deficiency; X-Linked Combined Immunodeficiency Diseases. Identifiers: Orphanet 276, MedGen C6022468, MONDO:0010315, OMIM 300400. Disease mechanism: loss of function.

Submissions (3):

ClinGen Severe Combined Immunodeficiency Variant Curation Expert Panel, ClinGen
Classification: Pathogenic for X-linked severe combined immunodeficiency. Last evaluated: 2024-03-08. Review status: reviewed by expert panel. Criteria: ClinGen SCID ACMG Specifications IL2RG V1.0.0. Collection method: curation. Allele origin: germline. Inheritance: X-linked inheritance.
Comment: The NM_000206.3:c.677G>A variant in IL2RG is a missense variant predicted to cause substitution of arginine by histidine at amino acid 226 (p.Arg226His). The variant has been observed in at least 9 probands with SCID/Ommen Syndrome (PMIDs 7668284, 9058718, 17598841, 21184155) (PS4). Among these probands, one presented with symptoms reminiscent of Omenn syndrome. The proband exhibited a T-B-NK+ lymphocyte profile. CD132 was absent in every lymphocyte subpopulation, and the NK cells isolated from the patient did not respond to IL-2 stimulation (PMID 17598841) (PP4). The variant is absent from gnomAD v4.0 (PM2_Supporting). The variant affects CpG dinucleotides at c.677G, which is defined as a mutational hotspot by the ClinGen SCID VCEP (PMID 7668284) (PM1_Strong). Surface expression of the IL-2 receptor gamma chain in patient B cells showed that the variant causes decreased surface localization of the protein, indicating that this variant impacts protein function (PMID 9058718)(PS3_Supporting). In addition, another missense variant c.676C>T, p.Arg226Cys (ClinVar Variation ID 225195) in the same codon has been classified as pathogenic for SCID by the ClinGen SCID VCEP (PM5). In summary, this variant meets the criteria to be classified as pathogenic for SCID. ACMG/AMP criteria applied, as specified by the ClinGen SCID-VCEP: PM1_Strong, PS4_Strong, PM5, PP4_Moderate, PM2_Supporting, PS3_Supporting. (VCEP specifications version 1.0)

Labcorp Genetics (formerly Invitae), Labcorp
Classification: Pathogenic for X-linked severe combined immunodeficiency. Last evaluated: 2023-10-06. Review status: criteria provided, single submitter. Criteria: Invitae Variant Classification Sherloc (09022015). Collection method: clinical testing. Allele origin: germline. Not counted in ClinVar's aggregate classification.
Comment: This sequence change replaces arginine, which is basic and polar, with histidine, which is basic and polar, at codon 226 of the IL2RG protein (p.Arg226His). This variant is not present in population databases (gnomAD no frequency). This missense change has been observed in individuals with X-linked severe combined immunodeficiency (PMID: 11213805, 17598841, 21184155, 22039266). ClinVar contains an entry for this variant (Variation ID: 225196). Advanced modeling of protein sequence and biophysical properties (such as structural, functional, and spatial information, amino acid conservation, physicochemical variation, residue mobility, and thermodynamic stability) performed at Invitae indicates that this missense variant is expected to disrupt IL2RG protein function. Experimental studies have shown that this missense change affects IL2RG function (PMID: 9058718, 11213805, 16760466). For these reasons, this variant has been classified as Pathogenic.

GeneDx
Classification: Pathogenic. Last evaluated: 2016-09-28. Review status: criteria provided, single submitter. Criteria: GeneDx Variant Classification (06012015). Collection method: clinical testing. Allele origin: germline. Affected: yes. Not counted in ClinVar's aggregate classification.
Comment: The R226H variant has been published previously in association with X-linked SCID (Pepper et al., 1995; Shibata et al., 2007). The variant was not observed in approximately 6,500 individuals of European and African American ancestry in the NHLBI Exome Sequencing Project, indicating it is not a common benign variant in these populations. This substitution occurs at a position where amino acids with similar properties to Arginine are tolerated across species. In silico analysis predicts this variant is probably damaging to the protein structure/function. Functional studies have shown that R226H destabilizes the final protein (Randles et al., 2006). Missense variants in the same residue (R226C) and in nearby residues (R222C, R224W, S225R, F227C, L230P, C231R/S/Y) have been reported in the Human Gene Mutation Database in association with X-linked SCID (Stenson et al., 2014), supporting the functional importance of this region of the protein. Therefore, we consider this variant to be pathogenic.

Literature cited by the submitters: PubMed 11213805 (cited by Labcorp Genetics (formerly Invitae), Labcorp); PubMed 17598841 (cited by Labcorp Genetics (formerly Invitae), Labcorp); PubMed 21184155 (cited by Labcorp Genetics (formerly Invitae), Labcorp); PubMed 22039266 (cited by Labcorp Genetics (formerly Invitae), Labcorp); PubMed 9058718 (cited by Labcorp Genetics (formerly Invitae), Labcorp); PubMed 16760466 (cited by Labcorp Genetics (formerly Invitae), Labcorp).